The following is an entry in ClinVar:

NM_019098.5(CNGB3):c.831T>G (p.Phe277Leu)

Gene: CNGB3 (cyclic nucleotide gated channel subunit beta 3; minus strand). Cytogenetic location: 8q21.3.
Variant type: single nucleotide variant.
Coding change: c.831T>G on transcript NM_019098.5 (MANE Select); coding-DNA position 831, T replaced by G.
Protein change: p.Phe277Leu; replaces phenylalanine 277 with leucine.
Molecular consequence: missense variant.
Genome position (GRCh38, 1-based): chr8:86,666,946, A>C on the plus strand (T>G on the coding strand, the complement: CNGB3 is on the minus strand). VCF-style: chr8-86666946-A-C. GRCh37 (hg19) VCF-style: chr8-87679174-A-C.
Other names: short protein forms F277L.
Identifiers: ClinVar variation 838281 (VCV000838281.8), dbSNP rs1420784567, ClinGen allele CA371449279.

ClinVar aggregate classification (germline): Uncertain significance. Review status: criteria provided, single submitter (1 of 4 stars). 2 submissions from 2 submitters: Uncertain significance (1). 1 of the submissions does not count toward it. Last evaluated 2022-03-10.

Conditions:
Achromatopsia. Also called: Rod monochromatism. Identifiers: Orphanet 49382, MedGen C0152200, MONDO:0018852, HP:0011516.

Allele frequency attached by ClinVar (database versions not stated): TOPMed below 0.00001; gnomAD 0.00001.

Submissions (2):

Labcorp Genetics (formerly Invitae), Labcorp
Classification: Uncertain significance. Last evaluated: 2022-03-10. Review status: criteria provided, single submitter. Criteria: Invitae Variant Classification Sherloc (09022015). Collection method: clinical testing. Allele origin: germline.
Comment: This sequence change replaces phenylalanine, which is neutral and non-polar, with leucine, which is neutral and non-polar, at codon 277 of the CNGB3 protein (p.Phe277Leu). This variant is not present in population databases (gnomAD no frequency). This variant has not been reported in the literature in individuals affected with CNGB3-related conditions. ClinVar contains an entry for this variant (Variation ID: 838281). Algorithms developed to predict the effect of missense changes on protein structure and function are either unavailable or do not agree on the potential impact of this missense change (SIFT: "Deleterious"; PolyPhen-2: "Possibly Damaging"; Align-GVGD: "Class C15"). Algorithms developed to predict the effect of sequence changes on RNA splicing suggest that this variant may disrupt the consensus splice site. In summary, the available evidence is currently insufficient to determine the role of this variant in disease. Therefore, it has been classified as a Variant of Uncertain Significance.

Natera, Inc.
Classification: Uncertain significance for Achromatopsia. Last evaluated: 2020-09-16. Review status: no assertion criteria provided. Collection method: clinical testing. Allele origin: germline. Not counted in ClinVar's aggregate classification.